The following is an entry in ClinVar:

NM_002691.4(POLD1):c.2458G>A (p.Ala820Thr)

Gene: POLD1 (DNA polymerase delta 1, catalytic subunit; plus strand). Cytogenetic location: 19q13.33.
Variant type: single nucleotide variant.
Coding change: c.2458G>A on transcript NM_002691.4 (MANE Select); coding-DNA position 2458, G replaced by A.
Protein change: p.Ala820Thr; replaces alanine 820 with threonine.
Molecular consequence: missense variant. On other transcripts: non-coding transcript variant (1).
Genome position (GRCh38, 1-based): chr19:50,414,884, G>A. VCF-style: chr19-50414884-G-A. GRCh37 (hg19) VCF-style: chr19-50918141-G-A.
Other names: c.2458G>A, p.Ala820Thr (NM_001256849.1); c.2536G>A, p.Ala846Thr (NM_001308632.1); c.2458G>A (NM_002691.2); short protein forms A820T, A846T.
Identifiers: ClinVar variation 469265 (VCV000469265.16), dbSNP rs753609023, ClinGen allele CA9596533.

ClinVar aggregate classification (germline): Conflicting classifications of pathogenicity. Review status: criteria provided, conflicting classifications (1 of 4 stars). 4 submissions from 4 submitters: Uncertain significance (3); Likely benign (1). Last evaluated 2026-01-26.

Conditions:
POLD1-related polyposis and colorectal cancer syndrome (CRCS10). Also called: Colorectal cancer 10; COLORECTAL CANCER, SUSCEPTIBILITY TO, ON CHROMOSOME 19q; Colorectal cancer, susceptibility to, 10. Identifiers: Orphanet 220460, MedGen C2675481, MONDO:0012953, OMIM 612591.
Mandibular hypoplasia-deafness-progeroid syndrome. Also called: Mandibular hypoplasia, deafness, progeroid features, and lipodystrophy syndrome. Identifiers: Orphanet 363649, MedGen C3715192, MONDO:0014157, OMIM 615381.
Hereditary cancer-predisposing syndrome. Also called: Neoplastic Syndromes, Hereditary; Hereditary neoplastic syndrome; Tumor predisposition; Hereditary Cancer Syndrome. Identifiers: Orphanet 140162, MedGen C0027672, MeSH D009386, MONDO:0015356.

Allele frequency attached by ClinVar (database versions not stated): gnomAD 0.00001 and 0.00002; ExAC 0.00003; gnomAD exomes 0.00003; TOPMed 0.00003.
gnomAD v4.1: 17 of 1,607,070 alleles (0.0011%); highest among the groups gnomAD compares: Admixed American, 0.01%; no homozygotes.

Submissions (4):

Labcorp Genetics (formerly Invitae), Labcorp
Classification: Uncertain significance for POLD1-related polyposis and colorectal cancer syndrome. Last evaluated: 2026-01-26. Review status: criteria provided, single submitter. Criteria: Invitae Variant Classification Sherloc (09022015). Collection method: clinical testing. Allele origin: germline.
Comment: This sequence change replaces alanine, which is neutral and non-polar, with threonine, which is neutral and polar, at codon 820 of the POLD1 protein (p.Ala820Thr). This variant is present in population databases (rs753609023, gnomAD 0.01%). This variant has not been reported in the literature in individuals affected with POLD1-related conditions. ClinVar contains an entry for this variant (Variation ID: 469265). Invitae Evidence Modeling of protein sequence and biophysical properties (such as structural, functional, and spatial information, amino acid conservation, physicochemical variation, residue mobility, and thermodynamic stability) indicates that this missense variant is not expected to disrupt POLD1 protein function with a negative predictive value of 80%. In summary, the available evidence is currently insufficient to determine the role of this variant in disease. Therefore, it has been classified as a Variant of Uncertain Significance.

Women's Health and Genetics/Laboratory Corporation of America, LabCorp
Classification: Uncertain significance. Last evaluated: 2025-09-12. Review status: criteria provided, single submitter. Criteria: LabCorp Variant Classification Summary - May 2015. Collection method: clinical testing. Allele origin: germline.

GeneDx
Classification: Uncertain significance. Last evaluated: 2025-07-20. Review status: criteria provided, single submitter. Criteria: GeneDx Variant Classification Process June 2021. Collection method: clinical testing. Allele origin: germline.
Comment: In silico analysis suggests that this missense variant does not alter protein structure/function; Has not been previously published as pathogenic or benign to our knowledge; This variant is associated with the following publications: (PMID: 20951805, 31034466)

Ambry Genetics
Classification: Likely benign for Hereditary cancer-predisposing syndrome. Last evaluated: 2024-12-17. Review status: criteria provided, single submitter. Criteria: Ambry Variant Classification Scheme 2023. Collection method: clinical testing. Allele origin: germline.